The following is an entry in ClinVar:

ClinVar aggregate classification (germline): Uncertain significance. Review status: criteria provided, multiple submitters, no conflicts (2 of 4 stars). 2 submissions from 2 submitters: Uncertain significance (2). Last evaluated 2023-01-18.

Conditions:
Renal cell carcinoma. Identifiers: Orphanet 217071, MedGen C0007134, MeSH D002292, MONDO:0005086, HP:0005584.
Hereditary cancer-predisposing syndrome. Also called: Neoplastic Syndromes, Hereditary; Tumor predisposition; Hereditary neoplastic syndrome; Hereditary Cancer Syndrome. Identifiers: Orphanet 140162, MedGen C0027672, MeSH D009386, MONDO:0015356.

Allele frequency attached by ClinVar (database versions not stated): gnomAD exomes 0.00001.

Submissions (2):

Ambry Genetics
Classification: Uncertain significance for Hereditary cancer-predisposing syndrome. Last evaluated: 2023-01-18. Review status: criteria provided, single submitter. Criteria: Ambry Variant Classification Scheme 2023. Collection method: clinical testing. Allele origin: germline.
Comment: The p.V313A variant (also known as c.938T>C), located in coding exon 1 of the MET gene, results from a T to C substitution at nucleotide position 938. The valine at codon 313 is replaced by alanine, an amino acid with similar properties. This amino acid position is conserved. In addition, the in silico prediction for this alteration is inconclusive. Since supporting evidence is limited at this time, the clinical significance of this alteration remains unclear.

Labcorp Genetics (formerly Invitae), Labcorp
Classification: Uncertain significance for Renal cell carcinoma. Last evaluated: 2021-11-07. Review status: criteria provided, single submitter. Criteria: Invitae Variant Classification Sherloc (09022015). Collection method: clinical testing. Allele origin: germline.
Comment: In summary, the available evidence is currently insufficient to determine the role of this variant in disease. Therefore, it has been classified as a Variant of Uncertain Significance. Algorithms developed to predict the effect of missense changes on protein structure and function are either unavailable or do not agree on the potential impact of this missense change (SIFT: "Deleterious"; PolyPhen-2: "Probably Damaging"; Align-GVGD: "Class C0"). ClinVar contains an entry for this variant (Variation ID: 568382). This sequence change replaces valine, which is neutral and non-polar, with alanine, which is neutral and non-polar, at codon 313 of the MET protein (p.Val313Ala). This variant has not been reported in the literature in individuals affected with MET-related conditions. This variant is not present in population databases (gnomAD no frequency).

NM_000245.4(MET):c.938T>C (p.Val313Ala)

Gene: MET (MET proto-oncogene, receptor tyrosine kinase; plus strand). Cytogenetic location: 7q31.2.
Variant type: single nucleotide variant.
Coding change: c.938T>C on transcript NM_000245.4 (MANE Select); coding-DNA position 938, T replaced by C.
Protein change: p.Val313Ala; replaces valine 313 with alanine.
Molecular consequence: missense variant. On other transcripts: intron variant (1).
Genome position (GRCh38, 1-based): chr7:116,700,022, T>C. VCF-style: chr7-116700022-T-C. GRCh37 (hg19) VCF-style: chr7-116340076-T-C.
Other names: c.938T>C, p.Val313Ala (NM_001127500.3, NM_001324401.3); c.-91+27445T>C (NM_001324402.2); short protein forms V313A.
Identifiers: ClinVar variation 568382 (VCV000568382.10), dbSNP rs1562884246, ClinGen allele CA368970191.